The following is an entry in ClinVar:

NM_006266.4(RALGDS):c.2012G>A (p.Arg671His)

Genes: RALGDS (ral guanine nucleotide dissociation stimulator; minus strand), LOC126860784 (CDK7 strongly-dependent group 2 enhancer GRCh37_chr9:135976589-135977788; plus strand). Cytogenetic location: 9q34.2.
Variant type: single nucleotide variant.
Coding change: c.2012G>A on transcript NM_006266.4 (MANE Select); coding-DNA position 2012, G replaced by A.
Protein change: p.Arg671His; replaces arginine 671 with histidine.
Molecular consequence: missense variant.
Genome position (GRCh38, 1-based): chr9:133,102,137, C>T on the plus strand (G>A on the coding strand, the complement: RALGDS is on the minus strand). VCF-style: chr9-133102137-C-T. GRCh37 (hg19) VCF-style: chr9-135977524-C-T.
Other names: c.1847G>A, p.Arg616His (NM_001042368.3); c.1925G>A, p.Arg642His (NM_001271774.2); c.2009G>A, p.Arg670His (NM_001271775.2); c.1976G>A, p.Arg659His (NM_001271776.2); short protein forms R670H, R671H, R616H, R642H, R659H.
Identifiers: ClinVar variation 2600367 (VCV002600367.3), dbSNP rs748411421, ClinGen allele CA5304149.
Genomic context (GRCh38, chr9:133,102,137, plus strand): 5'-TGGTCACAGGACTTGGAGTGGGAGCTGCCACTGGTACTGAGCTCAGTGCTGGGGGCCTGG[C>T]GGCTGGGTGAAGAGTTGGCTTAGTTAAGGGGGCTCCCCAAGGACACATCCCAACCCCACA-3'
Protein context (NP_006257.1, residues 661-681): NTAIVKRWSD[Arg671His]QAPSTELSTS

ClinVar aggregate classification (germline): Uncertain significance (1 of 4 stars; one submission).

Allele frequency attached by ClinVar (database versions not stated): gnomAD 0.00002; TOPMed 0.00003; ExAC 0.00008.
gnomAD v4.1: 138 of 1,562,978 alleles (0.0088%); highest among the groups gnomAD compares: Non-Finnish European, 0.012%; no homozygotes.

Submission:

Ambry Genetics
Classification: Uncertain significance. Last evaluated: 2026-03-02. Review status: criteria provided, single submitter. Criteria: Ambry Variant Classification Scheme 2023. Collection method: clinical testing. Allele origin: germline.
Comment: The c.2012G>A (p.R671H) alteration is located in exon 15 (coding exon 15) of the RALGDS gene. This alteration results from a G to A substitution at nucleotide position 2012, causing the arginine (R) at amino acid position 671 to be replaced by a histidine (H). Based on data from gnomAD, the A allele has an overall frequency of 0.005% (9/169134) total alleles studied. The highest observed frequency was 0.01% (7/67308) of European (non-Finnish) alleles. Based on insufficient or conflicting evidence, the clinical significance of this alteration remains unclear.